The following is an entry in ClinVar:

NM_001004334.4(GPR179):c.7018T>A (p.Leu2340Ile)

Gene: GPR179 (G protein-coupled receptor 179; minus strand). Cytogenetic location: 17q12.
Variant type: single nucleotide variant.
Coding change: c.7018T>A on transcript NM_001004334.4 (MANE Select); coding-DNA position 7018, T replaced by A.
Protein change: p.Leu2340Ile; replaces leucine 2340 with isoleucine.
Molecular consequence: missense variant.
Genome position (GRCh38, 1-based): chr17:38,326,551, A>T on the plus strand (T>A on the coding strand, the complement: GPR179 is on the minus strand). VCF-style: chr17-38326551-A-T. GRCh37 (hg19) VCF-style: chr17-36482434-A-T.
Other names: short protein forms L2340I.
Identifiers: ClinVar variation 1939853 (VCV001939853.5), dbSNP rs996548292, ClinGen allele CA290102667.

ClinVar aggregate classification (germline): Uncertain significance (1 of 4 stars; one submission).

Allele frequency attached by ClinVar (database versions not stated): gnomAD exomes 0.00001.
gnomAD v4.1: 4 of 1,614,184 alleles (0.00025%); highest among the groups gnomAD compares: Admixed American, 0.0017%; no homozygotes.

Submission:

Labcorp Genetics (formerly Invitae), Labcorp
Classification: Uncertain significance. Last evaluated: 2022-07-18. Review status: criteria provided, single submitter. Criteria: Invitae Variant Classification Sherloc (09022015). Collection method: clinical testing. Allele origin: germline.
Comment: This variant is not present in population databases (gnomAD no frequency). This variant has not been reported in the literature in individuals affected with GPR179-related conditions. Algorithms developed to predict the effect of missense changes on protein structure and function output the following: SIFT: "Tolerated"; PolyPhen-2: "Benign"; Align-GVGD: "Class C0". The isoleucine amino acid residue is found in multiple mammalian species, which suggests that this missense change does not adversely affect protein function. In summary, the available evidence is currently insufficient to determine the role of this variant in disease. Therefore, it has been classified as a Variant of Uncertain Significance. This sequence change replaces leucine, which is neutral and non-polar, with isoleucine, which is neutral and non-polar, at codon 2340 of the GPR179 protein (p.Leu2340Ile).